The following is an entry in ClinVar:

ClinVar aggregate classification (germline): Uncertain significance (1 of 4 stars; one submission).

Conditions:
Infantile spasms. Also called: Infantile spasm. Identifiers: MedGen C3887898, HP:0012469.

Allele frequency attached by ClinVar (database versions not stated): ExAC 0.00003; gnomAD exomes 0.00003.
gnomAD v4.1: 18 of 1,613,690 alleles (0.0011%); highest among the groups gnomAD compares: South Asian, 0.02%; no homozygotes.

Submission:

Labcorp Genetics (formerly Invitae), Labcorp
Classification: Uncertain significance for Infantile spasms. Last evaluated: 2022-02-02. Review status: criteria provided, single submitter. Criteria: Invitae Variant Classification Sherloc (09022015). Collection method: clinical testing. Allele origin: germline.
Comment: Algorithms developed to predict the effect of missense changes on protein structure and function are either unavailable or do not agree on the potential impact of this missense change (SIFT: "Deleterious"; PolyPhen-2: "Possibly Damaging"; Align-GVGD: "Class C0"). In summary, the available evidence is currently insufficient to determine the role of this variant in disease. Therefore, it has been classified as a Variant of Uncertain Significance. This variant has not been reported in the literature in individuals affected with PIK3AP1-related conditions. This sequence change replaces valine, which is neutral and non-polar, with glycine, which is neutral and non-polar, at codon 76 of the PIK3AP1 protein (p.Val76Gly). This variant is present in population databases (rs770097737, gnomAD 0.02%).

NM_152309.3(PIK3AP1):c.227T>G (p.Val76Gly)

Gene: PIK3AP1 (phosphoinositide-3-kinase adaptor protein 1; minus strand). Cytogenetic location: 10q24.1.
Variant type: single nucleotide variant.
Coding change: c.227T>G on transcript NM_152309.3 (MANE Select); coding-DNA position 227, T replaced by G.
Protein change: p.Val76Gly; replaces valine 76 with glycine.
Molecular consequence: missense variant.
Genome position (GRCh38, 1-based): chr10:96,709,770, A>C on the plus strand (T>G on the coding strand, the complement: PIK3AP1 is on the minus strand). VCF-style: chr10-96709770-A-C. GRCh37 (hg19) VCF-style: chr10-98469527-A-C.
Other names: short protein forms V76G.
Identifiers: ClinVar variation 1475877 (VCV001475877.8), dbSNP rs770097737, ClinGen allele CA5626585.